The following is an entry in ClinVar:

NM_001384140.1(PCDH15):c.5142T>C (p.His1714=)

Gene: PCDH15 (protocadherin related 15; minus strand). Cytogenetic location: 10q21.1.
Variant type: single nucleotide variant.
Coding change: c.5142T>C on transcript NM_001384140.1 (MANE Select); coding-DNA position 5142, T replaced by C.
Protein change: p.His1714=; no amino-acid change (histidine 1714 retained).
Molecular consequence: synonymous variant.
Genome position (GRCh38, 1-based): chr10:53,806,660, A>G on the plus strand (T>C on the coding strand, the complement: PCDH15 is on the minus strand). VCF-style: chr10-53806660-A-G. GRCh37 (hg19) VCF-style: chr10-55566420-A-G.
Other names: c.4968T>C, p.His1656= (NM_001142771.2); c.4953T>C, p.His1651= (NM_001142772.2); c.4947T>C, p.His1649= (NM_001354420.2); c.5076T>C, p.His1692= (NM_001354429.2); c.5076T>C (NM_001354429.1).
Identifiers: ClinVar variation 4907320 (VCV004907320.3).

ClinVar aggregate classification (germline): Likely benign. Review status: criteria provided, multiple submitters, no conflicts (2 of 4 stars). 3 submissions from 3 submitters: Likely benign (3). Last evaluated 2026-09-01.

Conditions:
PCDH15-related disorder. Also called: PCDH15-related condition; PCDH15-related disorders.

gnomAD v4.1: 23 of 1,613,720 alleles (0.0014%); highest among the groups gnomAD compares: African/African-American, 0.028%; no homozygotes.

Submissions (3):

CeGaT Center for Human Genetics Tuebingen
Classification: Likely benign. Last evaluated: 2026-09-01. Review status: criteria provided, single submitter. Criteria: CeGaT Center For Human Genetics Tuebingen Variant Classification Criteria Version 2. Collection method: clinical testing. Allele origin: germline. Affected: yes. Observed: 1 variant allele.
Comment: PCDH15: BP4, BP7

PreventionGenetics, part of Exact Sciences
Classification: Likely benign for PCDH15-related condition. Last evaluated: 2026-08-28. Review status: criteria provided, single submitter. Criteria: ACMG Guidelines, 2015. Collection method: clinical testing. Allele origin: germline.
Comment: This variant is classified as likely benign based on ACMG/AMP sequence variant interpretation guidelines (Richards et al. 2015 PMID: 25741868, with internal and published modifications).

Blueprint Genetics
Classification: Likely benign. Last evaluated: 2022-04-04. Review status: criteria provided, single submitter. Criteria: ACMG Guidelines, 2015. Collection method: clinical testing. Allele origin: germline.